The following is an entry in ClinVar:

ClinVar aggregate classification (germline): Likely pathogenic (1 of 4 stars; one submission).

Conditions:
Familial dysautonomia. Also called: HSAN III; FD. Identifiers: Orphanet 1764, MedGen C0013364, MONDO:0009131, OMIM 223900. Disease mechanism: loss of function.

Submission:

Myriad Genetics, Inc.
Classification: Likely pathogenic for Familial dysautonomia. Last evaluated: 2022-03-30. Review status: criteria provided, single submitter. Criteria: Myriad Women's Health Autosomal Recessive and X-Linked Classification Criteria (2021). Collection method: clinical testing. Allele origin: unknown.
Comment: NM_003640.3(ELP1):c.1934delC(A645Efs*9) is expected to be pathogenic in the context of familial dysautonomia. This variant is predicted to lead to an abnormal or absent protein product due to the creation of a premature termination codon in ELP1, a gene where loss-of-function variants are known to be pathogenic. Please note: this variant was assessed in the context of healthy population screening.

NM_003640.5(ELP1):c.1934del (p.Ala645fs)

Gene: ELP1 (elongator acetyltransferase complex subunit 1; minus strand). Cytogenetic location: 9q31.3.
Variant type: Deletion.
Coding change: c.1934del on transcript NM_003640.5 (MANE Select); coding-DNA position 1934, one base deleted (C; older notation c.1934delC).
Protein change: p.Ala645fs; shifts the reading frame from alanine 645.
Molecular consequence: frameshift variant.
Genome position (GRCh38, 1-based): chr9:108,901,505, G deleted on the plus strand (C on the coding strand, the reverse complement: ELP1 is on the minus strand). VCF-style (leftmost placement, unchanged base first): chr9-108901504-TG-T. GRCh37 (hg19) VCF-style: chr9-111663784-TG-T.
Other names: c.1592del, p.Ala531fs (NM_001318360.2); c.887del, p.Ala296fs (NM_001330749.2); short protein forms A296fs, A531fs, A645fs.
Identifiers: ClinVar variation 1725658 (VCV001725658.2), dbSNP rs2537902549, ClinGen allele CA2580079354.
Genomic context (GRCh38, chr9:108,901,504, plus strand): 5'-CAGGCAAAAACACTGGCAGGTATGGGAATGGGTTGTCAACAATAAAAACTCATCATATAC[TG>T]CAAATGACGTGATATTTGACGCAACCTGCAAGAGAAGGCCAGAGAGGCATGGGTGAAAGC-3'